The following is an entry in ClinVar:

ClinVar aggregate classification (germline): Uncertain significance (1 of 4 stars; one submission).

Conditions:
Primary ciliary dyskinesia. Also called: Ciliary dyskinesia. Identifiers: Orphanet 244, MedGen C0008780, MONDO:0016575, HP:0012265.

gnomAD v4.1: 3 of 1,613,548 alleles (0.00019%); highest among the groups gnomAD compares: Non-Finnish European, 0.00025%; no homozygotes.

Submission:

Ambry Genetics
Classification: Uncertain significance for Primary ciliary dyskinesia. Last evaluated: 2026-06-01. Review status: criteria provided, single submitter. Criteria: Ambry Variant Classification Scheme 2023. Collection method: clinical testing. Allele origin: germline.
Comment: The p.E466Q variant (also known as c.1396G>C), located in coding exon 11 of the DNAH5 gene, results from a G to C substitution at nucleotide position 1396. The glutamic acid at codon 466 is replaced by glutamine, an amino acid with highly similar properties. This amino acid position is conserved. In addition, this alteration is predicted to be tolerated by in silico analysis. Based on the available evidence, the clinical significance of this variant remains unclear.

NM_001369.3(DNAH5):c.1396G>C (p.Glu466Gln)

Gene: DNAH5 (dynein axonemal heavy chain 5; minus strand). Cytogenetic location: 5p15.2.
Variant type: single nucleotide variant.
Coding change: c.1396G>C on transcript NM_001369.3 (MANE Select); coding-DNA position 1396, G replaced by C.
Protein change: p.Glu466Gln; replaces glutamic acid 466 with glutamine.
Molecular consequence: missense variant.
Genome position (GRCh38, 1-based): chr5:13,913,883, C>G on the plus strand (G>C on the coding strand, the complement: DNAH5 is on the minus strand). VCF-style: chr5-13913883-C-G. GRCh37 (hg19) VCF-style: chr5-13913992-C-G.
Other names: short protein forms E466Q.
Identifiers: ClinVar variation 4869962 (VCV004869962.1).